The following is an entry in ClinVar:

NM_001374736.1(DST):c.22923G>A (p.Ala7641=)

Gene: DST (dystonin; minus strand). Cytogenetic location: 6p12.1.
Variant type: single nucleotide variant.
Coding change: c.22923G>A on transcript NM_001374736.1 (MANE Select); coding-DNA position 22923, G replaced by A.
Protein change: p.Ala7641=; no amino-acid change (alanine 7641 retained).
Molecular consequence: synonymous variant.
Genome position (GRCh38, 1-based): chr6:56,463,601, C>T on the plus strand (G>A on the coding strand, the complement: DST is on the minus strand). VCF-style: chr6-56463601-C-T. GRCh37 (hg19) VCF-style: chr6-56328399-C-T.
Other names: c.16494G>A, p.Ala5498= (NM_001144769.5); c.16080G>A, p.Ala5360= (NM_001144770.2); c.22851G>A, p.Ala7617= (NM_001374722.1); c.21963G>A, p.Ala7321= (NM_001374729.1); c.15705G>A, p.Ala5235= (NM_001374730.1); c.22878G>A, p.Ala7626= (NM_001374734.1); c.15942G>A, p.Ala5314= (NM_001386100.1); c.14982G>A, p.Ala4994= (NM_015548.5); and 1 more.
Identifiers: ClinVar variation 3034202 (VCV003034202.2), dbSNP rs554371778, ClinGen allele CA3866111.
Genomic context (GRCh38, chr6:56,463,601, plus strand): 5'-AAAAGTCTTCATCCTGAGTCTTACCTTGGGTGTGGTGGTGGCAGGGACCTGTGGGGAGGC[C>T]GCCTGCGCAGCCTGACTGGACACAGAAGTGGATCTGTTGGGTGAAGCGCCTCGTGATGAT-3'
Protein context (NP_001361665.1, residues 7631-7651): STSVSSQAAQ[Ala7641=]ASPQVPATTT

ClinVar aggregate classification (germline): Likely benign (0 of 4 stars; one submission).

Conditions:
DST-related disorder. Also called: DST-related condition; DST-related disorders.

Allele frequency attached by ClinVar (database versions not stated): TOPMed 0.00001; gnomAD exomes 0.00002; ExAC 0.00003.
gnomAD v4.1: 29 of 1,605,658 alleles (0.0018%); highest among the groups gnomAD compares: Middle Eastern, 0.017%; no homozygotes.

Submission:

PreventionGenetics, part of Exact Sciences
Classification: Likely benign for DST-related condition. Last evaluated: 2019-06-11. Review status: no assertion criteria provided. Collection method: clinical testing. Allele origin: germline.
Comment: This variant is classified as likely benign based on ACMG/AMP sequence variant interpretation guidelines (Richards et al. 2015 PMID: 25741868, with internal and published modifications).